The following is an entry in ClinVar:

ClinVar aggregate classification (germline): Benign/Likely benign. Review status: criteria provided, multiple submitters, no conflicts (2 of 4 stars). 4 submissions from 4 submitters: Benign (1); Likely benign (2). 1 of the submissions does not count toward it. Last evaluated 2026-01-07.

Conditions:
ANK3-related disorder. Also called: ANK3-related condition.

Allele frequency attached by ClinVar (database versions not stated): gnomAD exomes 0.00016 and 0.00048; ExAC 0.00067; 1000 Genomes Project 0.00120; 1000 Genomes Project 30x 0.00125; gnomAD 0.00202 and 0.00222; TOPMed 0.00258; ESP Exome Variant Server 0.00308.
gnomAD v4.1: 545 of 1,614,034 alleles (0.034%); highest among the groups gnomAD compares: African/African-American, 0.65%; 2 homozygotes.

Submissions (4):

Labcorp Genetics (formerly Invitae), Labcorp
Classification: Benign. Last evaluated: 2026-01-07. Review status: criteria provided, single submitter. Criteria: Invitae Variant Classification Sherloc (09022015). Collection method: clinical testing. Allele origin: germline.

Genetic Services Laboratory, University of Chicago
Classification: Likely benign. Last evaluated: 2019-07-03. Review status: criteria provided, single submitter. Criteria: ACMG Guidelines, 2015. Collection method: clinical testing. Allele origin: germline. Affected: no.

Breakthrough Genomics
Classification: Likely benign. Review status: criteria provided, single submitter. Criteria: ACMG Guidelines, 2015. Collection method: not provided. Allele origin: germline. Inheritance: Autosomal recessive inheritance. Affected: yes.

PreventionGenetics, part of Exact Sciences
Classification: Likely benign for ANK3-related condition. Last evaluated: 2019-04-11. Review status: no assertion criteria provided. Collection method: clinical testing. Allele origin: germline. Not counted in ClinVar's aggregate classification.
Comment: This variant is classified as likely benign based on ACMG/AMP sequence variant interpretation guidelines (Richards et al. 2015 PMID: 25741868, with internal and published modifications).

NM_020987.5(ANK3):c.2523T>C (p.Asn841=)

Gene: ANK3 (ankyrin 3; minus strand). Cytogenetic location: 10q21.2.
Variant type: single nucleotide variant.
Coding change: c.2523T>C on transcript NM_020987.5 (MANE Select); coding-DNA position 2523, T replaced by C.
Protein change: p.Asn841=; no amino-acid change (asparagine 841 retained).
Molecular consequence: synonymous variant.
Genome position (GRCh38, 1-based): chr10:60,166,852, A>G on the plus strand (T>C on the coding strand, the complement: ANK3 is on the minus strand). VCF-style: chr10-60166852-A-G. GRCh37 (hg19) VCF-style: chr10-61926610-A-G.
Other names: c.2505T>C, p.Asn835= (NM_001204403.2); c.2472T>C, p.Asn824= (NM_001204404.2); c.2523T>C, p.Asn841= (NM_001320874.2).
Identifiers: ClinVar variation 717295 (VCV000717295.15), dbSNP rs144773457, ClinGen allele CA5512777.
Genomic context (GRCh38, chr10:60,166,852, plus strand): 5'-AATTATTGTGAACTCAAAGAACATTTTCATACCTTCATCATCAGACATATCAAGAACTTC[A>G]TTCATCGTTTCTGGAACATTCATTTTGTGCTTCTCTGTGACAGTCTAGTAACAAAAAAGC-3'
Protein context (NP_066267.2, residues 831-851): KHKMNVPETM[Asn841=]EVLDMSDDEV